The following is an entry in ClinVar:

ClinVar aggregate classification (germline): Uncertain significance. Review status: criteria provided, multiple submitters, no conflicts (2 of 4 stars). 2 submissions from 2 submitters: Uncertain significance (2). Last evaluated 2023-03-06.

Conditions:
Joubert syndrome 15 (JBTS15). Identifiers: Orphanet 475, MedGen C3280897, MONDO:0013763, OMIM 614464.
Inborn genetic diseases. Identifiers: MedGen C0950123, MeSH D030342.

Allele frequency attached by ClinVar (database versions not stated): gnomAD exomes below 0.00001 and 0.00001; ExAC 0.00001; gnomAD 0.00001; TOPMed 0.00001; ESP Exome Variant Server 0.00008.
gnomAD v4.1: 10 of 1,612,092 alleles (0.00062%); highest among the groups gnomAD compares: Non-Finnish European, 0.00076%; no homozygotes.

Submissions (2):

Ambry Genetics
Classification: Uncertain significance for Inborn genetic diseases. Last evaluated: 2023-03-06. Review status: criteria provided, single submitter. Criteria: Ambry Variant Classification Scheme 2023. Collection method: clinical testing. Allele origin: germline.

Labcorp Genetics (formerly Invitae), Labcorp
Classification: Uncertain significance for Joubert syndrome 15. Last evaluated: 2022-11-01. Review status: criteria provided, single submitter. Criteria: Invitae Variant Classification Sherloc (09022015). Collection method: clinical testing. Allele origin: germline.
Comment: This sequence change replaces alanine, which is neutral and non-polar, with valine, which is neutral and non-polar, at codon 103 of the CEP41 protein (p.Ala103Val). This variant is present in population databases (rs369687508, gnomAD 0.004%). This variant has not been reported in the literature in individuals affected with CEP41-related conditions. ClinVar contains an entry for this variant (Variation ID: 1450618). Advanced modeling of protein sequence and biophysical properties (such as structural, functional, and spatial information, amino acid conservation, physicochemical variation, residue mobility, and thermodynamic stability) performed at Invitae indicates that this missense variant is not expected to disrupt CEP41 protein function. In summary, the available evidence is currently insufficient to determine the role of this variant in disease. Therefore, it has been classified as a Variant of Uncertain Significance.

NM_018718.3(CEP41):c.308C>T (p.Ala103Val)

Gene: CEP41 (centrosomal protein 41; minus strand). Cytogenetic location: 7q32.2.
Variant type: single nucleotide variant.
Coding change: c.308C>T on transcript NM_018718.3 (MANE Select); coding-DNA position 308, C replaced by T.
Protein change: p.Ala103Val; replaces alanine 103 with valine.
Molecular consequence: missense variant. On other transcripts: non-coding transcript variant (1).
Genome position (GRCh38, 1-based): chr7:130,404,678, G>A on the plus strand (C>T on the coding strand, the complement: CEP41 is on the minus strand). VCF-style: chr7-130404678-G-A. GRCh37 (hg19) VCF-style: chr7-130044519-G-A.
Other names: c.308C>T (NM_018718.1); c.308C>T, p.Ala103Val (NM_001257158.2); c.260C>T, p.Ala87Val (NM_001257159.2); short protein forms A103V, A87V.
Identifiers: ClinVar variation 1450618 (VCV001450618.4), dbSNP rs369687508, ClinGen allele CA4485606.